The following is an entry in ClinVar:

NM_030770.4(TMPRSS5):c.725C>T (p.Thr242Met)

Gene: TMPRSS5 (transmembrane serine protease 5; minus strand). Cytogenetic location: 11q23.2.
Variant type: single nucleotide variant.
Coding change: c.725C>T on transcript NM_030770.4 (MANE Select); coding-DNA position 725, C replaced by T.
Protein change: p.Thr242Met; replaces threonine 242 with methionine.
Molecular consequence: missense variant. On other transcripts: non-coding transcript variant (2), intron variant (2).
Genome position (GRCh38, 1-based): chr11:113,694,538, G>A on the plus strand (C>T on the coding strand, the complement: TMPRSS5 is on the minus strand). VCF-style: chr11-113694538-G-A. GRCh37 (hg19) VCF-style: chr11-113565260-G-A.
Other names: c.593C>T, p.Thr198Met (NM_001288750.2); c.698C>T, p.Thr233Met (NM_001288751.2); c.447-1289C>T (NM_001288749.2); c.579-1289C>T (NM_001288752.2); short protein forms T198M, T233M, T242M.
Identifiers: ClinVar variation 680319 (VCV000680319.1), dbSNP rs116913282, ClinGen allele CA6281754.

ClinVar aggregate classification (germline): Likely benign (1 of 4 stars; one submission).

Allele frequency attached by ClinVar (database versions not stated): 1000 Genomes Project 0.00020; ExAC 0.00029; 1000 Genomes Project 30x 0.00031; ESP Exome Variant Server 0.00033; gnomAD 0.00048; TOPMed 0.00048.
gnomAD v4.1: 885 of 1,560,002 alleles (0.057%); highest among the groups gnomAD compares: Middle Eastern, 0.15%; no homozygotes.

Submission:

GeneDx
Classification: Likely benign. Last evaluated: 2018-04-09. Review status: criteria provided, single submitter. Criteria: GeneDx Variant Classification (06012015). Collection method: clinical testing. Allele origin: germline. Affected: yes.
Comment: This variant is considered likely benign or benign based on one or more of the following criteria: it is a conservative change, it occurs at a poorly conserved position in the protein, it is predicted to be benign by multiple in silico algorithms, and/or has population frequency not consistent with disease.